The following is an entry in ClinVar:

NM_015512.5(DNAH1):c.12398G>A (p.Arg4133His)

Gene: DNAH1 (dynein axonemal heavy chain 1; plus strand). Cytogenetic location: 3p21.1.
Variant type: single nucleotide variant.
Coding change: c.12398G>A on transcript NM_015512.5 (MANE Select); coding-DNA position 12398, G replaced by A.
Protein change: p.Arg4133His; replaces arginine 4133 with histidine.
Molecular consequence: missense variant.
Genome position (GRCh38, 1-based): chr3:52,399,158, G>A. VCF-style: chr3-52399158-G-A. GRCh37 (hg19) VCF-style: chr3-52433174-G-A.
Other names: c.12398G>A (NM_015512.4); short protein forms R4133H.
Identifiers: ClinVar variation 2051828 (VCV002051828.5), dbSNP rs763660995, ClinGen allele CA2436472.

ClinVar aggregate classification (germline): Uncertain significance. Review status: criteria provided, multiple submitters, no conflicts (2 of 4 stars). 2 submissions from 2 submitters: Uncertain significance (2). Last evaluated 2025-11-24.

Conditions:
Spermatogenic failure 18. Identifiers: MedGen C4539783, MONDO:0054615, OMIM 617576.
Ciliary dyskinesia, primary, 37 (CILD37). Also called: CILIARY DYSKINESIA, PRIMARY, 37, WITH OR WITHOUT SITUS INVERSUS. Identifiers: MedGen C4539798, MONDO:0033204, OMIM 617577.

gnomAD v4.1: 117 of 1,613,200 alleles (0.0073%); highest among the groups gnomAD compares: Non-Finnish European, 0.0087%; no homozygotes.

Submissions (2):

Labcorp Genetics (formerly Invitae), Labcorp
Classification: Uncertain significance for Ciliary dyskinesia, primary, 37; Spermatogenic failure 18. Last evaluated: 2025-11-24. Review status: criteria provided, single submitter. Criteria: Invitae Variant Classification Sherloc (09022015). Collection method: clinical testing. Allele origin: germline.
Comment: This sequence change replaces arginine, which is basic and polar, with histidine, which is basic and polar, at codon 4133 of the DNAH1 protein (p.Arg4133His). This variant is present in population databases (rs763660995, gnomAD 0.007%). This variant has not been reported in the literature in individuals affected with DNAH1-related conditions. ClinVar contains an entry for this variant (Variation ID: 2051828). Invitae Evidence Modeling of protein sequence and biophysical properties (such as structural, functional, and spatial information, amino acid conservation, physicochemical variation, residue mobility, and thermodynamic stability) indicates that this missense variant is expected to disrupt DNAH1 protein function with a positive predictive value of 80%. In summary, the available evidence is currently insufficient to determine the role of this variant in disease. Therefore, it has been classified as a Variant of Uncertain Significance.

Ambry Genetics
Classification: Uncertain significance. Last evaluated: 2025-09-10. Review status: criteria provided, single submitter. Criteria: Ambry Variant Classification Scheme 2023. Collection method: clinical testing. Allele origin: germline.